The following is an entry in ClinVar:

ClinVar aggregate classification (germline): Conflicting classifications of pathogenicity. Review status: criteria provided, conflicting classifications (1 of 4 stars). 6 submissions from 6 submitters: Uncertain significance (4); Likely benign (2). Last evaluated 2024-11-25.

Conditions:
Lethal left ventricular non-compaction-seizures-hypotonia-cataract-developmental delay syndrome. Also called: Combined oxidative phosphorylation deficiency 31. Identifiers: Orphanet 478049, MedGen C4310661, MONDO:0014976, OMIM 617228.
Inborn genetic diseases. Identifiers: MedGen C0950123, MeSH D030342.

Allele frequency attached by ClinVar (database versions not stated): ESP Exome Variant Server 0.00010; gnomAD exomes 0.00040 and 0.00083; gnomAD 0.00074 and 0.00075; TOPMed 0.00076; ExAC 0.00344.
gnomAD v4.1: 1,115 of 1,374,058 alleles (0.081%); highest among the groups gnomAD compares: Middle Eastern, 1%; 3 homozygotes.

Submissions (6):

Blueprint Genetics
Classification: Likely benign. Last evaluated: 2024-11-25. Review status: criteria provided, single submitter. Criteria: ACMG Guidelines, 2015. Collection method: clinical testing. Allele origin: germline.

Fulgent Genetics
Classification: Uncertain significance for Lethal left ventricular non-compaction-seizures-hypotonia-cataract-developmental delay syndrome. Last evaluated: 2024-04-09. Review status: criteria provided, single submitter. Criteria: ACMG Guidelines, 2015. Collection method: clinical testing. Allele origin: germline.

Labcorp Genetics (formerly Invitae), Labcorp
Classification: Uncertain significance. Last evaluated: 2024-01-29. Review status: criteria provided, single submitter. Criteria: Invitae Variant Classification Sherloc (09022015). Collection method: clinical testing. Allele origin: germline.
Comment: This sequence change replaces alanine, which is neutral and non-polar, with threonine, which is neutral and polar, at codon 14 of the MIPEP protein (p.Ala14Thr). This variant is present in population databases (rs367730807, gnomAD 0.2%), and has an allele count higher than expected for a pathogenic variant. This variant has not been reported in the literature in individuals affected with MIPEP-related conditions. ClinVar contains an entry for this variant (Variation ID: 1030040). Algorithms developed to predict the effect of missense changes on protein structure and function output the following: SIFT: "Not Available"; PolyPhen-2: "Not Available"; Align-GVGD: "Not Available". The threonine amino acid residue is found in multiple mammalian species, which suggests that this missense change does not adversely affect protein function. In summary, the available evidence is currently insufficient to determine the role of this variant in disease. Therefore, it has been classified as a Variant of Uncertain Significance.

Ambry Genetics
Classification: Likely benign for Inborn genetic diseases. Last evaluated: 2024-01-24. Review status: criteria provided, single submitter. Criteria: Ambry Variant Classification Scheme 2023. Collection method: clinical testing. Allele origin: germline.

Baylor Genetics
Classification: Uncertain significance for Lethal left ventricular non-compaction-seizures-hypotonia-cataract-developmental delay syndrome. Last evaluated: 2020-01-16. Review status: criteria provided, single submitter. Criteria: ACMG Guidelines, 2015. Collection method: clinical testing. Allele origin: unknown. Affected: yes.
Comment: This variant was determined to be of uncertain significance according to ACMG Guidelines, 2015 [PMID:25741868].

Breakthrough Genomics
Classification: Uncertain significance. Review status: criteria provided, single submitter. Criteria: ACMG Guidelines, 2015. Collection method: not provided. Allele origin: germline. Inheritance: Autosomal recessive inheritance. Affected: yes.

Literature cited by the submitters: PubMed 36413997 (cited by Ambry Genetics).

NM_005932.4(MIPEP):c.40G>A (p.Ala14Thr)

Genes: MIPEP (mitochondrial intermediate peptidase; minus strand), PCOTH (prostate and testis expressed opposite C1QTNF9B and MIPEP; plus strand). Cytogenetic location: 13q12.12.
Variant type: single nucleotide variant.
Coding change: c.40G>A on transcript NM_005932.4 (MANE Select); coding-DNA position 40, G replaced by A.
Protein change: p.Ala14Thr; replaces alanine 14 with threonine.
Molecular consequence: missense variant.
Genome position (GRCh38, 1-based): chr13:23,889,281, C>T on the plus strand (G>A on the coding strand, the complement: MIPEP is on the minus strand). VCF-style: chr13-23889281-C-T. GRCh37 (hg19) VCF-style: chr13-24463420-C-T.
Other names: short protein forms A14T.
Identifiers: ClinVar variation 1030040 (VCV001030040.7), dbSNP rs367730807, ClinGen allele CA6913449.